The following is an entry in ClinVar:

NM_000535.7(PMS2):c.1226G>A (p.Gly409Glu)

Gene: PMS2 (PMS1 homolog 2, mismatch repair system component; minus strand). Cytogenetic location: 7p22.1.
Variant type: single nucleotide variant.
Coding change: c.1226G>A on transcript NM_000535.7 (MANE Select); coding-DNA position 1226, G replaced by A.
Protein change: p.Gly409Glu; replaces glycine 409 with glutamic acid.
Molecular consequence: missense variant. On other transcripts: non-coding transcript variant (1).
Genome position (GRCh38, 1-based): chr7:5,987,539, C>T on the plus strand (G>A on the coding strand, the complement: PMS2 is on the minus strand). VCF-style: chr7-5987539-C-T. GRCh37 (hg19) VCF-style: chr7-6027170-C-T.
Other names: c.821G>A, p.Gly274Glu (NM_001322003.2, NM_001322004.2, NM_001322005.2 and 1 more transcripts); c.1070G>A, p.Gly357Glu (NM_001322006.2); c.908G>A, p.Gly303Glu (NM_001322007.2, NM_001322008.2); c.665G>A, p.Gly222Glu (NM_001322010.2); c.293G>A, p.Gly98Glu (NM_001322011.2, NM_001322012.2); c.653G>A, p.Gly218Glu (NM_001322013.2); c.1226G>A, p.Gly409Glu (NM_001322014.2); c.917G>A, p.Gly306Glu (NM_001322015.2); short protein forms G306E, G409E, G98E, G303E, G357E, G222E, G218E, G274E.
Identifiers: ClinVar variation 853277 (VCV000853277.11), dbSNP rs1554298002, ClinGen allele CA366742530.

ClinVar aggregate classification (germline): Uncertain significance. Review status: criteria provided, multiple submitters, no conflicts (2 of 4 stars). 2 submissions from 2 submitters: Uncertain significance (2). Last evaluated 2025-06-23.

Conditions:
Hereditary cancer-predisposing syndrome. Also called: Neoplastic Syndromes, Hereditary; Hereditary Cancer Syndrome; Tumor predisposition; Hereditary neoplastic syndrome. Identifiers: Orphanet 140162, MedGen C0027672, MeSH D009386, MONDO:0015356.
Hereditary nonpolyposis colorectal neoplasms. Identifiers: MedGen C0009405, MeSH D003123.

gnomAD v4.1: 1 of 1,613,948 alleles (0.000062%); highest among the groups gnomAD compares: Non-Finnish European, 0.000085%; no homozygotes.

Submissions (2):

Labcorp Genetics (formerly Invitae), Labcorp
Classification: Uncertain significance for Hereditary nonpolyposis colorectal neoplasms. Last evaluated: 2025-06-23. Review status: criteria provided, single submitter. Criteria: Invitae Variant Classification Sherloc (09022015). Collection method: clinical testing. Allele origin: germline.
Comment: This sequence change replaces glycine, which is neutral and non-polar, with glutamic acid, which is acidic and polar, at codon 409 of the PMS2 protein (p.Gly409Glu). This variant is not present in population databases (gnomAD no frequency). This variant has not been reported in the literature in individuals affected with PMS2-related conditions. ClinVar contains an entry for this variant (Variation ID: 853277). Invitae Evidence Modeling incorporating data from in vitro experimental studies (internal data) indicates that this missense variant is not expected to disrupt PMS2 function with a negative predictive value of 95%. In summary, the available evidence is currently insufficient to determine the role of this variant in disease. Therefore, it has been classified as a Variant of Uncertain Significance.

Ambry Genetics
Classification: Uncertain significance for Hereditary cancer-predisposing syndrome. Last evaluated: 2022-11-02. Review status: criteria provided, single submitter. Criteria: Ambry Variant Classification Scheme 2023. Collection method: clinical testing. Allele origin: germline.
Comment: The p.G409E variant (also known as c.1226G>A), located in coding exon 11 of the PMS2 gene, results from a G to A substitution at nucleotide position 1226. The glycine at codon 409 is replaced by glutamic acid, an amino acid with similar properties. This amino acid position is conserved. In addition, this alteration is predicted to be tolerated by in silico analysis. Since supporting evidence is limited at this time, the clinical significance of this alteration remains unclear.